The following is an entry in ClinVar:

NM_000218.3(KCNQ1):c.1574C>T (p.Ala525Val)

Gene: KCNQ1 (potassium voltage-gated channel subfamily Q member 1; plus strand). Cytogenetic location: 11p15.5.
Variant type: single nucleotide variant.
Coding change: c.1574C>T on transcript NM_000218.3 (MANE Select); coding-DNA position 1574, C replaced by T.
Protein change: p.Ala525Val; replaces alanine 525 with valine.
Molecular consequence: missense variant.
Genome position (GRCh38, 1-based): chr11:2,768,903, C>T. VCF-style: chr11-2768903-C-T. GRCh37 (hg19) VCF-style: chr11-2790133-C-T.
Other names: c.1574C>T (LRG_287t1); c.1193C>T, p.Ala398Val (NM_181798.2); c.1478C>T, p.Ala493Val (NM_001406836.1); c.1304C>T, p.Ala435Val (NM_001406837.1); c.1034C>T, p.Ala345Val (NM_001406838.1); short protein forms A525V, A398V, A493V, A435V, A345V.
Identifiers: ClinVar variation 67040 (VCV000067040.9), dbSNP rs199472791, ClinGen allele CA005956.
Genomic context (GRCh38, chr11:2,768,903, plus strand): 5'-GGCTGCGGGAACACCATCGGGCCACCATTAAGGTCATTCGACGCATGCAGTACTTTGTGG[C>T]CAAGAAGAAATTCCAGGTAAGCCCTGTGCTGAGCCTTCCTGCCCTCAGCCTGCCCCTCGC-3'
Protein context (NP_000209.2, residues 515-535): KVIRRMQYFV[Ala525Val]KKKFQQARKP

ClinVar aggregate classification (germline): Conflicting classifications of pathogenicity. Review status: criteria provided, conflicting classifications (1 of 4 stars). 3 submissions from 3 submitters: Pathogenic (1); Uncertain significance (1). 1 of the submissions does not count toward it. Last evaluated 2023-08-01.

Conditions:
Familial long QT syndrome (RWS). Also called: Congenital long QT syndrome; Romano-Ward syndrome; VENTRICULAR FIBRILLATION WITH PROLONGED QT INTERVAL. Identifiers: Orphanet 768, MedGen C1141890, MONDO:0019171.
Long QT syndrome (LQTS). Identifiers: MedGen C0023976, MeSH D008133, MONDO:0002442. Disease mechanism: loss of function. Inheritance: Various modes of inheritance.
Long QT syndrome 1 (LQT1). Identifiers: Orphanet 101016, Orphanet 768, MedGen C4551647, MONDO:0100316, OMIM 192500, MONDO:0008646.

Submissions (3):

Molecular Genetics Laboratory - Cardiogenetics, CHU de Nantes
Classification: Pathogenic for Long QT syndrome 1. Last evaluated: 2023-08-01. Review status: criteria provided, single submitter. Criteria: ACMG Guidelines, 2015. Collection method: clinical testing. Allele origin: germline. Affected: yes.

Labcorp Genetics (formerly Invitae), Labcorp
Classification: Uncertain significance for Long QT syndrome. Last evaluated: 2021-10-28. Review status: criteria provided, single submitter. Criteria: Invitae Variant Classification Sherloc (09022015). Collection method: clinical testing. Allele origin: germline.
Comment: This variant disrupts the p.Ala525 amino acid residue in KCNQ1. Other variant(s) that disrupt this residue have been observed in individuals with KCNQ1-related conditions (PMID: 10482963, 22949429), which suggests that this may be a clinically significant amino acid residue. In summary, the available evidence is currently insufficient to determine the role of this variant in disease. Therefore, it has been classified as a Variant of Uncertain Significance. Algorithms developed to predict the effect of missense changes on protein structure and function are either unavailable or do not agree on the potential impact of this missense change (SIFT: "Deleterious"; PolyPhen-2: "Probably Damaging"; Align-GVGD: "Class C0"). ClinVar contains an entry for this variant (Variation ID: 67040). This missense change has been observed in individual(s) with long QT syndrome (PMID: 15234419, 19716085; Invitae). This variant is not present in population databases (gnomAD no frequency). This sequence change replaces alanine, which is neutral and non-polar, with valine, which is neutral and non-polar, at codon 525 of the KCNQ1 protein (p.Ala525Val).

Cardiovascular Biomedical Research Unit, Royal Brompton & Harefield NHS Foundation Trust
No classification provided. Condition: Familial long QT syndrome. Review status: no classification provided. Collection method: literature only. Allele origin: germline. Not counted in ClinVar's aggregate classification.
Comment: This variant has been reported as associated with Long QT syndrome in the following publications (PMID:15234419;PMID:19716085). This is a literature report, and does not necessarily reflect the clinical interpretation of the Imperial College / Royal Brompton Cardiovascular Genetics laboratory.

Literature cited by the submitters: PubMed 10482963 (cited by Labcorp Genetics (formerly Invitae), Labcorp); PubMed 22949429 (cited by Labcorp Genetics (formerly Invitae), Labcorp); PubMed 15234419 (cited by Labcorp Genetics (formerly Invitae), Labcorp and Cardiovascular Biomedical Research Unit, Royal Brompton & Harefield NHS Foundation Trust); PubMed 19716085 (cited by Labcorp Genetics (formerly Invitae), Labcorp and Cardiovascular Biomedical Research Unit, Royal Brompton & Harefield NHS Foundation Trust); PubMed 22581653 (cited by Cardiovascular Biomedical Research Unit, Royal Brompton & Harefield NHS Foundation Trust).